The following is an entry in ClinVar:

ClinVar aggregate classification (germline): Benign. Review status: criteria provided, multiple submitters, no conflicts (2 of 4 stars). 6 submissions from 6 submitters: Benign (6). Last evaluated 2026-02-03.

Conditions:
SEPN1-related disorder. Also called: SEPN1-Related Disorders. Identifiers: MedGen CN239420.
Eichsfeld type congenital muscular dystrophy (CMYO3). Also called: MYOPATHY, SEPN1-RELATED; Rigid spine muscular dystrophy 1; SELENON-related myopathy; Congenital myopathy 3 with rigid spine. Identifiers: MedGen C0410180, MONDO:0100100, OMIM 602771.

Allele frequency attached by ClinVar (database versions not stated): ExAC 0.00656; 1000 Genomes Project 0.01617; 1000 Genomes Project 30x 0.01624; gnomAD 0.01720 and 0.01839; ESP Exome Variant Server 0.01733; TOPMed 0.01962.

Submissions (6):

Labcorp Genetics (formerly Invitae), Labcorp
Classification: Benign for Eichsfeld type congenital muscular dystrophy. Last evaluated: 2026-02-03. Review status: criteria provided, single submitter. Criteria: Invitae Variant Classification Sherloc (09022015). Collection method: clinical testing. Allele origin: germline.

Illumina Laboratory Services, Illumina
Classification: Benign for SEPN1-Related Disorders. Last evaluated: 2018-01-12. Review status: criteria provided, single submitter. Criteria: ICSL Variant Classification Criteria 13 December 2019. Collection method: clinical testing. Allele origin: germline.
Comment: This variant was observed in the ICSL laboratory as part of a predisposition screen in an ostensibly healthy population. It had not been previously curated by ICSL or reported in the Human Gene Mutation Database (HGMD: prior to June 1st, 2018), and was therefore a candidate for classification through an automated scoring system. Utilizing variant allele frequency, disease prevalence and penetrance estimates, and inheritance mode, an automated score was calculated to assess if this variant is too frequent to cause the disease. Based on the score and internal cut-off values, a variant classified as benign is not then subjected to further curation. The score for this variant resulted in a classification of benign for this disease.

GeneDx
Classification: Benign. Last evaluated: 2016-08-31. Review status: criteria provided, single submitter. Criteria: GeneDx Variant Classification (06012015). Collection method: clinical testing. Allele origin: germline. Affected: yes.
Comment: This variant is considered likely benign or benign based on one or more of the following criteria: it is a conservative change, it occurs at a poorly conserved position in the protein, it is predicted to be benign by multiple in silico algorithms, and/or has population frequency not consistent with disease.

Eurofins Ntd Llc (ga)
Classification: Benign. Last evaluated: 2016-05-20. Review status: criteria provided, single submitter. Criteria: EGL Classification Definitions 2015. Collection method: clinical testing. Allele origin: germline. Observed: 4 variant alleles, 4 heterozygotes.

Breakthrough Genomics
Classification: Benign. Review status: criteria provided, single submitter. Criteria: ACMG Guidelines, 2015. Collection method: not provided. Allele origin: germline. Inheritance: Autosomal recessive inheritance. Affected: yes.

PreventionGenetics, part of Exact Sciences
Classification: Benign. Review status: criteria provided, single submitter. Criteria: ACMG Guidelines, 2015. Collection method: clinical testing. Allele origin: germline.

NM_206926.2(SELENON):c.1285+11C>T

Gene: SELENON (selenoprotein N; plus strand). Cytogenetic location: 1p36.11.
Variant type: single nucleotide variant.
Coding change: c.1285+11C>T on transcript NM_206926.2 (MANE Select); 11 bases into the intron after coding-DNA position 1285, C replaced by T.
Molecular consequence: intron variant.
Genome position (GRCh38, 1-based): chr1:25,812,803, C>T. VCF-style: chr1-25812803-C-T. GRCh37 (hg19) VCF-style: chr1-26139294-C-T.
Other names: c.1387+11C>T (NM_020451.3).
Identifiers: ClinVar variation 261275 (VCV000261275.18), dbSNP rs59653066, ClinGen allele CA696844.